The following is an entry in ClinVar:

ClinVar aggregate classification (germline): Uncertain significance (1 of 4 stars; one submission).

Conditions:
Alstrom syndrome (ALMS). Identifiers: Orphanet 64, MedGen C0268425, MONDO:0008763, OMIM 203800.

Submission:

Labcorp Genetics (formerly Invitae), Labcorp
Classification: Uncertain significance for Alstrom syndrome. Last evaluated: 2022-02-11. Review status: criteria provided, single submitter. Criteria: Invitae Variant Classification Sherloc (09022015). Collection method: clinical testing. Allele origin: germline.
Comment: This sequence change replaces glutamine, which is neutral and polar, with arginine, which is basic and polar, at codon 2636 of the ALMS1 protein (p.Gln2636Arg). In summary, the available evidence is currently insufficient to determine the role of this variant in disease. Therefore, it has been classified as a Variant of Uncertain Significance. Experimental studies and prediction algorithms are not available or were not evaluated, and the functional significance of this variant is currently unknown. This variant has not been reported in the literature in individuals affected with ALMS1-related conditions. This variant is not present in population databases (gnomAD no frequency).

NM_001378454.1(ALMS1):c.7904A>G (p.Gln2635Arg)

Gene: ALMS1 (ALMS1 centrosome and basal body associated protein; plus strand). Cytogenetic location: 2p13.1.
Variant type: single nucleotide variant.
Coding change: c.7904A>G on transcript NM_001378454.1 (MANE Select); coding-DNA position 7904, A replaced by G.
Protein change: p.Gln2635Arg; replaces glutamine 2635 with arginine.
Molecular consequence: missense variant.
Genome position (GRCh38, 1-based): chr2:73,489,863, A>G. VCF-style: chr2-73489863-A-G. GRCh37 (hg19) VCF-style: chr2-73716990-A-G.
Other names: c.7907A>G, p.Gln2636Arg (NM_015120.4); short protein forms Q2635R, Q2636R.
Identifiers: ClinVar variation 2202379 (VCV002202379.4), dbSNP rs2466213317, ClinGen allele CA347266267.